The following is an entry in ClinVar:

ClinVar aggregate classification (germline): Pathogenic (1 of 4 stars; one submission).

Allele frequency attached by ClinVar (database versions not stated): ExAC 0.00001; gnomAD 0.00005; TOPMed 0.00006; 1000 Genomes Project 30x 0.00016; 1000 Genomes Project 0.00020.
gnomAD v4.1: 13 of 1,607,406 alleles (0.00081%); highest among the groups gnomAD compares: African/African-American, 0.016%; no homozygotes.

Submissions (2):

Labcorp Genetics (formerly Invitae), Labcorp
Classification: Pathogenic. Last evaluated: 2024-10-29. Review status: criteria provided, single submitter. Criteria: Invitae Variant Classification Sherloc (09022015). Collection method: clinical testing. Allele origin: germline.
Comment: This sequence change affects an acceptor splice site in intron 6 of the PEPD gene. RNA analysis indicates that disruption of this splice site induces altered splicing and likely results in a shortened protein product. The frequency data for this variant in the population databases is considered unreliable, as metrics indicate poor data quality at this position in the gnomAD database. Disruption of this splice site has been observed in individual(s) with prolidase deficiency (PMID: 8198124, 8408817). Studies have shown that disruption of this splice site alters PEPD gene expression (PMID: 8198124). Studies have shown that disruption of this splice site results in skipping of exon 7, but is expected to preserve the integrity of the reading-frame (PMID: 8198124). For these reasons, this variant has been classified as Pathogenic.

Dr. Peter K. Rogan Lab, Western University
No classification provided (evidence only). Condition: Thyroid cancer, nonmedullary, 1. Review status: no classification provided. Collection method: in vitro. Allele origin: not applicable. Functional consequence: retained intron. Not counted in ClinVar's aggregate classification.

Literature cited by the submitters: PubMed 8198124 (cited by Labcorp Genetics (formerly Invitae), Labcorp); PubMed 8408817 (cited by Labcorp Genetics (formerly Invitae), Labcorp).

NM_000285.4(PEPD):c.504-1G>T

Gene: PEPD (peptidase D; minus strand). Cytogenetic location: 19q13.11.
Variant type: single nucleotide variant.
Coding change: c.504-1G>T on transcript NM_000285.4 (MANE Select); the canonical splice acceptor site of the intron before coding-DNA position 504, G replaced by T.
Molecular consequence: splice acceptor variant.
Genome position (GRCh38, 1-based): chr19:33,478,091, C>A on the plus strand (G>T on the coding strand, the complement: PEPD is on the minus strand). VCF-style: chr19-33478091-C-A. GRCh37 (hg19) VCF-style: chr19-33968997-C-A.
Other names: c.312-1G>T (NM_001166057.2); c.504-1G>T (NM_001166056.2).
Identifiers: ClinVar variation 2731784 (VCV002731784.4), dbSNP rs542228812, ClinGen allele CA9364272.
Genomic context (GRCh38, chr19:33,478,091, plus strand): 5'-ACAGGCCGTACTCACCACTCAACGATCTCTGGGTGAAGAATGGTATTGTTGACTTCGAAC[C>A]TGTAGGGCGAAAAGAAATCAAGCCCATTAATCCAACGGTCTGTCATGTCCCAGCAAGAAC-3'